The following is an entry in ClinVar:

ClinVar aggregate classification (germline): Uncertain significance. Review status: criteria provided, multiple submitters, no conflicts (2 of 4 stars). 3 submissions from 3 submitters: Uncertain significance (3). Last evaluated 2026-08-19.

Conditions:
Hereditary cancer-predisposing syndrome. Also called: Tumor predisposition; Hereditary Cancer Syndrome; Hereditary neoplastic syndrome; Neoplastic Syndromes, Hereditary. Identifiers: Orphanet 140162, MedGen C0027672, MeSH D009386, MONDO:0015356.
Hereditary nonpolyposis colorectal neoplasms. Identifiers: MedGen C0009405, MeSH D003123.

Allele frequency attached by ClinVar (database versions not stated): gnomAD exomes below 0.00001.
gnomAD v4.1: 1 of 1,580,952 alleles (0.000063%); highest among the groups gnomAD compares: Non-Finnish European, 0.000086%; no homozygotes.

Submissions (3):

Ambry Genetics
Classification: Uncertain significance for Hereditary cancer-predisposing syndrome. Last evaluated: 2026-08-19. Review status: criteria provided, single submitter. Criteria: Ambry Variant Classification Scheme 2023. Collection method: clinical testing. Allele origin: germline.
Comment: The p.C115R variant (also known as c.343T>C), located in coding exon 4 of the PMS2 gene, results from a T to C substitution at nucleotide position 343. The cysteine at codon 115 is replaced by arginine, an amino acid with highly dissimilar properties. This amino acid position is highly conserved in available vertebrate species. In addition, this alteration is predicted to be deleterious by in silico analysis. Based on the available evidence, the clinical significance of this variant remains unclear.

Color Diagnostics, LLC DBA Color Health
Classification: Uncertain significance for Hereditary cancer-predisposing syndrome. Last evaluated: 2025-09-23. Review status: criteria provided, single submitter. Criteria: ACMG Guidelines, 2015. Collection method: clinical testing. Allele origin: germline.
Comment: This missense variant replaces cysteine with arginine at codon 115 of the PMS2 protein. Computational prediction suggests that this variant may have deleterious impact on protein structure and function. To our knowledge, functional studies have not been reported for this variant. This variant has not been reported in individuals affected with PMS2-related disorders in the literature. This variant has not been identified in the general population by the Genome Aggregation Database (gnomAD). The available evidence is insufficient to determine the role of this variant in disease conclusively. Therefore, this variant is classified as a Variant of Uncertain Significance.

Labcorp Genetics (formerly Invitae), Labcorp
Classification: Uncertain significance for Hereditary nonpolyposis colorectal neoplasms. Last evaluated: 2022-07-06. Review status: criteria provided, single submitter. Criteria: Invitae Variant Classification Sherloc (09022015). Collection method: clinical testing. Allele origin: germline.
Comment: This sequence change replaces cysteine, which is neutral and slightly polar, with arginine, which is basic and polar, at codon 115 of the PMS2 protein (p.Cys115Arg). This variant is not present in population databases (gnomAD no frequency). This variant has not been reported in the literature in individuals affected with PMS2-related conditions. ClinVar contains an entry for this variant (Variation ID: 1062535). Algorithms developed to predict the effect of missense changes on protein structure and function (SIFT, PolyPhen-2, Align-GVGD) all suggest that this variant is likely to be disruptive. Algorithms developed to predict the effect of sequence changes on RNA splicing suggest that this variant may create or strengthen a splice site. In summary, the available evidence is currently insufficient to determine the role of this variant in disease. Therefore, it has been classified as a Variant of Uncertain Significance.

NM_000535.7(PMS2):c.343T>C (p.Cys115Arg)

Gene: PMS2 (PMS1 homolog 2, mismatch repair system component; minus strand). Cytogenetic location: 7p22.1.
Variant type: single nucleotide variant.
Coding change: c.343T>C on transcript NM_000535.7 (MANE Select); coding-DNA position 343, T replaced by C.
Protein change: p.Cys115Arg; replaces cysteine 115 with arginine.
Molecular consequence: missense variant. On other transcripts: 5 prime UTR variant (9), non-coding transcript variant (1), intron variant (2).
Genome position (GRCh38, 1-based): chr7:6,003,700, A>G on the plus strand (T>C on the coding strand, the complement: PMS2 is on the minus strand). VCF-style: chr7-6003700-A-G. GRCh37 (hg19) VCF-style: chr7-6043331-A-G.
Other names: c.-63T>C (NM_001322003.2, NM_001322004.2, NM_001322005.2 and 3 more transcripts); c.343T>C, p.Cys115Arg (NM_001322006.2, NM_001322014.2); c.-542T>C (NM_001322011.2, NM_001322012.2); c.-142T>C (NM_001322015.2); c.35+272T>C (NM_001322008.2, NM_001322007.2); c.343T>C (NM_000535.5); short protein forms C115R.
Identifiers: ClinVar variation 1062535 (VCV001062535.9), dbSNP rs1290792398, ClinGen allele CA366744544.